The following is an entry in ClinVar:

NM_000535.7(PMS2):c.2150T>A (p.Val717Glu)

Gene: PMS2 (PMS1 homolog 2, mismatch repair system component; minus strand). Cytogenetic location: 7p22.1.
Variant type: single nucleotide variant.
Coding change: c.2150T>A on transcript NM_000535.7 (MANE Select); coding-DNA position 2150, T replaced by A.
Protein change: p.Val717Glu; replaces valine 717 with glutamic acid.
Molecular consequence: missense variant. On other transcripts: non-coding transcript variant (1), intron variant (4).
Genome position (GRCh38, 1-based): chr7:5,982,848, A>T on the plus strand (T>A on the coding strand, the complement: PMS2 is on the minus strand). VCF-style: chr7-5982848-A-T. GRCh37 (hg19) VCF-style: chr7-6022479-A-T.
Other names: c.1745T>A, p.Val582Glu (NM_001322003.2, NM_001322004.2, NM_001322005.2 and 14 more transcripts); c.1994T>A, p.Val665Glu (NM_001322006.2, NM_001406870.1); c.1589T>A, p.Val530Glu (NM_001322010.2, NM_001406906.1, NM_001406907.1); c.1832T>A, p.Val611Glu (NM_001322008.2, NM_001322007.2, NM_001406876.1 and 1 more transcripts); c.1217T>A, p.Val406Glu (NM_001322011.2, NM_001322012.2); c.1577T>A, p.Val526Glu (NM_001322013.2, NM_001406909.1); c.2150T>A, p.Val717Glu (NM_001322014.2, NM_001406871.1); c.1841T>A, p.Val614Glu (NM_001322015.2, NM_001406875.1, NM_001406877.1 and 5 more transcripts); and 16 more; short protein forms V559E, V651E, V717E, V562E, V595E, V681E, V725E, V779E.
Identifiers: ClinVar variation 4667637 (VCV004667637.1).

ClinVar aggregate classification (germline): Uncertain significance (1 of 4 stars; one submission).

Conditions:
Hereditary cancer-predisposing syndrome. Also called: Neoplastic Syndromes, Hereditary; Tumor predisposition; Hereditary Cancer Syndrome; Hereditary neoplastic syndrome. Identifiers: Orphanet 140162, MedGen C0027672, MeSH D009386, MONDO:0015356.

Submission:

Ambry Genetics
Classification: Uncertain significance for Hereditary cancer-predisposing syndrome. Last evaluated: 2025-11-15. Review status: criteria provided, single submitter. Criteria: Ambry Variant Classification Scheme 2023. Collection method: clinical testing. Allele origin: germline.
Comment: The p.V717E variant (also known as c.2150T>A), located in coding exon 12 of the PMS2 gene, results from a T to A substitution at nucleotide position 2150. The valine at codon 717 is replaced by glutamic acid, an amino acid with dissimilar properties. This amino acid position is conserved. In addition, the in silico prediction for this alteration is inconclusive. Based on the available evidence, the clinical significance of this variant remains unclear.